The following is an entry in ClinVar:

ClinVar aggregate classification (germline): Uncertain significance (1 of 4 stars; one submission).

Submission:

Labcorp Genetics (formerly Invitae), Labcorp
Classification: Uncertain significance. Last evaluated: 2023-09-27. Review status: criteria provided, single submitter. Criteria: Invitae Variant Classification Sherloc (09022015). Collection method: clinical testing. Allele origin: germline.
Comment: This variant is not present in population databases (gnomAD no frequency). This sequence change replaces alanine, which is neutral and non-polar, with proline, which is neutral and non-polar, at codon 1091 of the COL11A1 protein (p.Ala1091Pro). In summary, the available evidence is currently insufficient to determine the role of this variant in disease. Therefore, it has been classified as a Variant of Uncertain Significance. Advanced modeling of protein sequence and biophysical properties (such as structural, functional, and spatial information, amino acid conservation, physicochemical variation, residue mobility, and thermodynamic stability) performed at Invitae indicates that this missense variant is not expected to disrupt COL11A1 protein function. This variant has not been reported in the literature in individuals affected with COL11A1-related conditions.

NM_001854.4(COL11A1):c.3271G>C (p.Ala1091Pro)

Gene: COL11A1 (collagen type XI alpha 1 chain; minus strand). Cytogenetic location: 1p21.1.
Variant type: single nucleotide variant.
Coding change: c.3271G>C on transcript NM_001854.4 (MANE Select); coding-DNA position 3271, G replaced by C.
Protein change: p.Ala1091Pro; replaces alanine 1091 with proline.
Molecular consequence: missense variant. On other transcripts: non-coding transcript variant (1).
Genome position (GRCh38, 1-based): chr1:102,946,854, C>G on the plus strand (G>C on the coding strand, the complement: COL11A1 is on the minus strand). VCF-style: chr1-102946854-C-G. GRCh37 (hg19) VCF-style: chr1-103412410-C-G.
Other names: c.2923G>C, p.Ala975Pro (NM_001168249.1, NM_080630.4); c.3154G>C, p.Ala1052Pro (NM_001190709.2); c.3307G>C, p.Ala1103Pro (NM_080629.3); short protein forms A1091P, A1103P, A1052P, A975P.
Identifiers: ClinVar variation 2763980 (VCV002763980.3), dbSNP rs1450713198, ClinGen allele CA341170829.